The following is an entry in ClinVar:

ClinVar aggregate classification (germline): Pathogenic/Likely pathogenic. Review status: criteria provided, multiple submitters, no conflicts (2 of 4 stars). 4 submissions from 4 submitters: Pathogenic (2); Likely pathogenic (2). Last evaluated 2025-02-25.

Conditions:
Spastic ataxia 2. Also called: Ataxia, spastic, 2, autosomal recessive. Identifiers: Orphanet 397946, MedGen C1969796, MONDO:0012651, OMIM 611302.

Allele frequency attached by ClinVar (database versions not stated): ExAC 0.00001; gnomAD exomes 0.00001; TOPMed 0.00002.
gnomAD v4.1: 12 of 1,613,960 alleles (0.00074%); highest among the groups gnomAD compares: East Asian, 0.0022%; no homozygotes.

Submissions (4):

Mayo Clinic Laboratories, Mayo Clinic
Classification: Likely pathogenic. Last evaluated: 2025-02-25. Review status: criteria provided, single submitter. Criteria: ACMG Guidelines, 2015. Collection method: clinical testing. Allele origin: germline. Observed: 1 variant allele.
Comment: PP1_moderate, PP3_moderate, PM2_supporting, PM3, PS3_supporting

Labcorp Genetics (formerly Invitae), Labcorp
Classification: Pathogenic for Spastic ataxia 2. Last evaluated: 2023-08-10. Review status: criteria provided, single submitter. Criteria: Invitae Variant Classification Sherloc (09022015). Collection method: clinical testing. Allele origin: germline.
Comment: For these reasons, this variant has been classified as Pathogenic. Experimental studies have shown that this missense change affects KIF1C function (PMID: 35961316). Advanced modeling of protein sequence and biophysical properties (such as structural, functional, and spatial information, amino acid conservation, physicochemical variation, residue mobility, and thermodynamic stability) performed at Invitae indicates that this missense variant is expected to disrupt KIF1C protein function. ClinVar contains an entry for this variant (Variation ID: 872583). This missense change has been observed in individuals with autosomal recessive hereditary spastic paraplegia (PMID: 24808017; Invitae). It has also been observed to segregate with disease in related individuals. This variant is present in population databases (rs772475828, gnomAD 0.003%). This sequence change replaces proline, which is neutral and non-polar, with leucine, which is neutral and non-polar, at codon 176 of the KIF1C protein (p.Pro176Leu).

Institute of Medical Genetics and Applied Genomics, University Hospital Tübingen
Classification: Likely pathogenic. Last evaluated: 2021-06-17. Review status: criteria provided, single submitter. Criteria: ACMG Guidelines, 2015. Collection method: clinical testing. Allele origin: germline. Inheritance: Autosomal recessive inheritance. Affected: yes.

CeGaT Center for Human Genetics Tuebingen
Classification: Pathogenic. Last evaluated: 2017-01-01. Review status: criteria provided, single submitter. Criteria: CeGaT Center For Human Genetics Tuebingen Variant Classification Criteria Version 2. Collection method: clinical testing. Allele origin: germline. Affected: yes. Observed: 1 variant allele.

Literature cited by the submitters: PubMed 24808017 (cited by Mayo Clinic Laboratories, Mayo Clinic and Labcorp Genetics (formerly Invitae), Labcorp); PubMed 31616253 (cited by Mayo Clinic Laboratories, Mayo Clinic); PubMed 34426522 (cited by Mayo Clinic Laboratories, Mayo Clinic); PubMed 35961316 (cited by Mayo Clinic Laboratories, Mayo Clinic and Labcorp Genetics (formerly Invitae), Labcorp); PubMed 37526414 (cited by Mayo Clinic Laboratories, Mayo Clinic).

NM_006612.6(KIF1C):c.527C>T (p.Pro176Leu)

Gene: KIF1C (kinesin family member 1C; plus strand). Cytogenetic location: 17p13.2.
Variant type: single nucleotide variant.
Coding change: c.527C>T on transcript NM_006612.6 (MANE Select); coding-DNA position 527, C replaced by T.
Protein change: p.Pro176Leu; replaces proline 176 with leucine.
Molecular consequence: missense variant.
Genome position (GRCh38, 1-based): chr17:5,002,561, C>T. VCF-style: chr17-5002561-C-T. GRCh37 (hg19) VCF-style: chr17-4905856-C-T.
Other names: p.Pro176Leu; short protein forms P176L.
Identifiers: ClinVar variation 872583 (VCV000872583.50), dbSNP rs772475828, ClinGen allele CA8318591.